The following is an entry in ClinVar:

ClinVar aggregate classification (germline): Uncertain significance. Review status: criteria provided, multiple submitters, no conflicts (2 of 4 stars). 2 submissions from 2 submitters: Uncertain significance (2). Last evaluated 2025-08-04.

Conditions:
NTRK2-related disorder. Also called: NTRK2-related condition.

Allele frequency attached by ClinVar (database versions not stated): gnomAD exomes below 0.00001; TOPMed 0.00001.
gnomAD v4.1: 9 of 1,614,122 alleles (0.00056%); highest among the groups gnomAD compares: Non-Finnish European, 0.00059%; no homozygotes.

Submissions (2):

PreventionGenetics, part of Exact Sciences
Classification: Uncertain significance for NTRK2-related condition. Last evaluated: 2025-08-04. Review status: criteria provided, single submitter. Criteria: ACMG Guidelines, 2015. Collection method: clinical testing. Allele origin: germline.
Comment: The NTRK2 c.2272G>A variant is predicted to result in the amino acid substitution p.Val758Met. To our knowledge, this variant has not been reported in the literature. This variant is reported in 0.00088% of alleles in individuals of European (Non-Finnish) descent in gnomAD. At this time, the clinical significance of this variant is uncertain due to the absence of conclusive functional and genetic evidence.

Labcorp Genetics (formerly Invitae), Labcorp
Classification: Uncertain significance. Last evaluated: 2024-03-12. Review status: criteria provided, single submitter. Criteria: Invitae Variant Classification Sherloc (09022015). Collection method: clinical testing. Allele origin: germline.
Comment: This sequence change replaces valine, which is neutral and non-polar, with methionine, which is neutral and non-polar, at codon 758 of the NTRK2 protein (p.Val758Met). This variant is present in population databases (no rsID available, gnomAD 0.0009%). This variant has not been reported in the literature in individuals affected with NTRK2-related conditions. ClinVar contains an entry for this variant (Variation ID: 1483090). Advanced modeling of protein sequence and biophysical properties (such as structural, functional, and spatial information, amino acid conservation, physicochemical variation, residue mobility, and thermodynamic stability) has been performed at Invitae for this missense variant, however the output from this modeling did not meet the statistical confidence thresholds required to predict the impact of this variant on NTRK2 protein function. In summary, the available evidence is currently insufficient to determine the role of this variant in disease. Therefore, it has been classified as a Variant of Uncertain Significance.

NM_006180.6(NTRK2):c.2272G>A (p.Val758Met)

Gene: NTRK2 (neurotrophic receptor tyrosine kinase 2; plus strand). Cytogenetic location: 9q21.33.
Variant type: single nucleotide variant.
Coding change: c.2272G>A on transcript NM_006180.6 (MANE Select); coding-DNA position 2272, G replaced by A.
Protein change: p.Val758Met; replaces valine 758 with methionine.
Molecular consequence: missense variant.
Genome position (GRCh38, 1-based): chr9:85,020,305, G>A. VCF-style: chr9-85020305-G-A. GRCh37 (hg19) VCF-style: chr9-87635220-G-A.
Other names: c.2272G>A (NM_006180.4); c.2224G>A, p.Val742Met (NM_001018064.3, NM_001369532.1, NM_001369533.1); c.2188G>A, p.Val730Met (NM_001369534.1); c.1756G>A, p.Val586Met (NM_001369535.1); c.1804G>A, p.Val602Met (NM_001369536.1); short protein forms V586M, V602M, V742M, V730M, V758M.
Identifiers: ClinVar variation 1483090 (VCV001483090.7), dbSNP rs1368656393, ClinGen allele CA374007943.